The following is an entry in ClinVar:

ClinVar aggregate classification (germline): Pathogenic (1 of 4 stars; one submission).

Submission:

Labcorp Genetics (formerly Invitae), Labcorp
Classification: Pathogenic. Last evaluated: 2021-04-04. Review status: criteria provided, single submitter. Criteria: Invitae Variant Classification Sherloc (09022015). Collection method: clinical testing. Allele origin: germline.
Comment: For these reasons, this variant has been classified as Pathogenic. This variant has not been reported in the literature in individuals with CDH23-related conditions. This variant is not present in population databases (ExAC no frequency). This sequence change creates a premature translational stop signal (p.Asn1818Glyfs*9) in the CDH23 gene. It is expected to result in an absent or disrupted protein product. Loss-of-function variants in CDH23 are known to be pathogenic (PMID: 11138009, 21940737).

Literature cited by the submitters: PubMed 11138009; PubMed 21940737.

NM_022124.6(CDH23):c.5432_5451dup (p.Asn1818fs)

Gene: CDH23 (cadherin related 23; plus strand). Cytogenetic location: 10q22.1.
Variant type: Duplication.
Coding change: c.5432_5451dup on transcript NM_022124.6 (MANE Select); coding-DNA positions 5432 to 5451, 20 bases duplicated (GGGAGACCATCGCCTTCTAC).
Protein change: p.Asn1818fs; shifts the reading frame from asparagine 1818.
Molecular consequence: frameshift variant.
Genome position (GRCh38, 1-based): chr10:71,784,350-71,784,369, GGGAGACCATCGCCTTCTAC duplicated; duplicating any 20 consecutive bases within chr10:71,784,349-71,784,369 gives the same sequence; the c. name uses the placement nearest the transcript's 3' end. VCF-style (leftmost placement, unchanged base first): chr10-71784348-C-CCGGGAGACCATCGCCTTCTA. GRCh37 (hg19) VCF-style: chr10-73544105-C-CCGGGAGACCATCGCCTTCTA.
Other names: short protein forms N1818fs.
Identifiers: ClinVar variation 1454002 (VCV001454002.6), dbSNP rs2132938148, ClinGen allele CA2573145370.
Genomic context (GRCh38, chr10:71,784,348, plus strand): 5'-GGAGTTTGTGATCTCTCCTGTGGAGGGGGTGCTAAGGGTCCGGAAGGACGTGGAGCTGGA[C>CCGGGAGACCATCGCCTTCTA]CGGGAGACCATCGCCTTCTACAACCTGACCATCTGTGCCCGTGACCGGGGGATGCCCCCA-3'